The following is an entry in ClinVar:

ClinVar aggregate classification (germline): Uncertain significance. Review status: criteria provided, multiple submitters, no conflicts (2 of 4 stars). 4 submissions from 4 submitters: Uncertain significance (4). Last evaluated 2025-06-08.

Conditions:
Gastrointestinal stromal tumor. Also called: Gastrointestinal stroma tumor; Gastrointestinal stromal tumor, somatic. Identifiers: Orphanet 44890, MedGen C0238198, MeSH D046152, MONDO:0011719, OMIM 606764, HP:0100723.
Hereditary cancer-predisposing syndrome. Also called: Tumor predisposition; Hereditary neoplastic syndrome; Neoplastic Syndromes, Hereditary; Hereditary Cancer Syndrome. Identifiers: Orphanet 140162, MedGen C0027672, MeSH D009386, MONDO:0015356.
Pheochromocytoma/paraganglioma syndrome 3. Also called: SDHC-Related Hereditary Paraganglioma-Pheochromocytoma Syndrome (Paragangliomas 3); GLOMUS TUMORS, FAMILIAL, 3; SDHC-Related Hereditary Paraganglioma-Pheochromocytoma Syndrome; Paragangliomas 3. Identifiers: Orphanet 29072, MedGen C1854336, MONDO:0011544, OMIM 605373.
Hereditary pheochromocytoma and paraganglioma. Also called: Hereditary Paraganglioma-Pheochromocytoma Syndromes; Hereditary paragangliomas and pheochromocytomas; Hereditary pheochromocytoma-paraganglioma. Identifiers: Orphanet 29072, MedGen C4274332, MONDO:0017366.

Allele frequency attached by ClinVar (database versions not stated): gnomAD exomes below 0.00001; TOPMed below 0.00001.
gnomAD v4.1: 2 of 1,612,168 alleles (0.00012%); highest among the groups gnomAD compares: Non-Finnish European, 0.00017%; no homozygotes.

Submissions (4):

Labcorp Genetics (formerly Invitae), Labcorp
Classification: Uncertain significance for Pheochromocytoma/paraganglioma syndrome 3; Gastrointestinal stromal tumor. Last evaluated: 2025-06-08. Review status: criteria provided, single submitter. Criteria: Invitae Variant Classification Sherloc (09022015). Collection method: clinical testing. Allele origin: germline.
Comment: This sequence change replaces lysine, which is basic and polar, with asparagine, which is neutral and polar, at codon 144 of the SDHC protein (p.Lys144Asn). This variant is not present in population databases (gnomAD no frequency). This variant has not been reported in the literature in individuals affected with SDHC-related conditions. ClinVar contains an entry for this variant (Variation ID: 465974). An algorithm developed to predict the effect of missense changes on protein structure and function (PolyPhen-2) suggests that this variant is likely to be disruptive. Algorithms developed to predict the effect of sequence changes on RNA splicing suggest that this variant may disrupt the consensus splice site. In summary, the available evidence is currently insufficient to determine the role of this variant in disease. Therefore, it has been classified as a Variant of Uncertain Significance.

Ambry Genetics
Classification: Uncertain significance for Hereditary cancer-predisposing syndrome. Last evaluated: 2024-10-17. Review status: criteria provided, single submitter. Criteria: Ambry Variant Classification Scheme 2023. Collection method: clinical testing. Allele origin: germline.
Comment: The p.K144N variant (also known as c.432G>T), located in coding exon 6 of the SDHC gene, results from a G to T substitution at nucleotide position 432. The lysine at codon 144 is replaced by asparagine, an amino acid with similar properties. This amino acid position is conserved. In addition, this alteration is predicted to be deleterious by in silico analysis. Since supporting evidence is limited at this time, the clinical significance of this alteration remains unclear.

All of Us Research Program, National Institutes of Health
Classification: Uncertain significance for Hereditary pheochromocytoma and paraganglioma. Last evaluated: 2023-11-28. Review status: criteria provided, single submitter. Criteria: ACMG Guidelines, 2015. Collection method: clinical testing. Allele origin: germline. Inheritance: Autosomal dominant inheritance. Observed: 3 variant alleles, 3 heterozygotes.
Comment: This missense variant replaces lysine with asparagine at codon 144 of the SDHC protein. Computational prediction suggests that this variant may not impact protein structure and function (internally defined REVEL score threshold <= 0.5, PMID: 27666373). To our knowledge, functional studies have not been reported for this variant. This variant has not been reported in individuals affected with SDHC-related disorders in the literature. This variant has not been identified in the general population by the Genome Aggregation Database (gnomAD). The available evidence is insufficient to determine the role of this variant in disease conclusively. Therefore, this variant is classified as a Variant of Uncertain Significance.

This study involves interpretation of variants in research participants for the purpose of population health screening. Participant phenotype was not available at the time of variant classification. Additional details can be found in publication PMID: 35346344, PMCID: PMC8962531

Baylor Genetics
Classification: Uncertain significance for Gastrointestinal stromal tumor. Last evaluated: 2023-07-25. Review status: criteria provided, single submitter. Criteria: ACMG Guidelines, 2015. Collection method: clinical testing. Allele origin: unknown.

NM_003001.5(SDHC):c.432G>T (p.Lys144Asn)

Gene: SDHC (succinate dehydrogenase complex subunit C; plus strand). Cytogenetic location: 1q23.3.
Variant type: single nucleotide variant.
Coding change: c.432G>T on transcript NM_003001.5 (MANE Select); coding-DNA position 432, G replaced by T.
Protein change: p.Lys144Asn; replaces lysine 144 with asparagine.
Molecular consequence: missense variant.
Genome position (GRCh38, 1-based): chr1:161,362,355, G>T. VCF-style: chr1-161362355-G-T. GRCh37 (hg19) VCF-style: chr1-161332145-G-T.
Other names: c.268G>T, p.Asp90Tyr (NM_001035511.3); c.330G>T, p.Lys110Asn (NM_001035512.3); c.273G>T, p.Lys91Asn (NM_001035513.3); c.166G>T, p.Asp56Tyr (NM_001278172.3); c.552G>T, p.Lys184Asn (NM_001407115.1); c.375G>T, p.Lys125Asn (NM_001407116.1); c.369G>T, p.Lys123Asn (NM_001407117.1); c.324G>T, p.Lys108Asn (NM_001407118.1); and 2 more; short protein forms K144N, D56Y, D90Y, K110N, K91N, D71Y, K108N, K125N.
Identifiers: ClinVar variation 465974 (VCV000465974.10), dbSNP rs1366410028, ClinGen allele CA343457654.